The following is an entry in ClinVar:

ClinVar aggregate classification (germline): Uncertain significance (1 of 4 stars; one submission).

Allele frequency attached by ClinVar (database versions not stated): gnomAD exomes below 0.00001; ExAC 0.00001.
gnomAD v4.1: 3 of 1,613,872 alleles (0.00019%); highest among the groups gnomAD compares: Admixed American, 0.0017%; no homozygotes.

Submission:

Labcorp Genetics (formerly Invitae), Labcorp
Classification: Uncertain significance. Last evaluated: 2022-03-11. Review status: criteria provided, single submitter. Criteria: Invitae Variant Classification Sherloc (09022015). Collection method: clinical testing. Allele origin: germline.
Comment: This variant is present in population databases (rs758231644, gnomAD 0.003%). In summary, the available evidence is currently insufficient to determine the role of this variant in disease. Therefore, it has been classified as a Variant of Uncertain Significance. Algorithms developed to predict the effect of missense changes on protein structure and function output the following: SIFT: "Tolerated"; PolyPhen-2: "Not Available"; Align-GVGD: "Class C0". The alanine amino acid residue is found in multiple mammalian species, which suggests that this missense change does not adversely affect protein function. This variant has not been reported in the literature in individuals affected with PCLO-related conditions. This sequence change replaces threonine, which is neutral and polar, with alanine, which is neutral and non-polar, at codon 763 of the PCLO protein (p.Thr763Ala).

NM_033026.6(PCLO):c.2287A>G (p.Thr763Ala)

Gene: PCLO (piccolo presynaptic cytomatrix protein; minus strand). Cytogenetic location: 7q21.11.
Variant type: single nucleotide variant.
Coding change: c.2287A>G on transcript NM_033026.6 (MANE Select); coding-DNA position 2287, A replaced by G.
Protein change: p.Thr763Ala; replaces threonine 763 with alanine.
Molecular consequence: missense variant.
Genome position (GRCh38, 1-based): chr7:83,135,263, T>C on the plus strand (A>G on the coding strand, the complement: PCLO is on the minus strand). VCF-style: chr7-83135263-T-C. GRCh37 (hg19) VCF-style: chr7-82764579-T-C.
Other names: c.2287A>G, p.Thr763Ala (NM_014510.3); short protein forms T763A.
Identifiers: ClinVar variation 2059331 (VCV002059331.4), dbSNP rs758231644, ClinGen allele CA4321287.